The following is an entry in ClinVar:

ClinVar aggregate classification (germline): Uncertain significance. Review status: criteria provided, multiple submitters, no conflicts (2 of 4 stars). 8 submissions from 8 submitters: Uncertain significance (8). Last evaluated 2026-05-27.

Conditions:
WNK1-related disorder. Also called: WNK1-related condition.
Inborn genetic diseases. Identifiers: MedGen C0950123, MeSH D030342.
Pseudohypoaldosteronism type 2C (PHA2C). Also called: Pseudohypoaldosteronism Type IIC. Identifiers: Orphanet 757, Orphanet 88940, MedGen C1840391, MONDO:0013778, OMIM 614492.
Neuropathy, hereditary sensory and autonomic, type 2A (HSAN2A). Also called: WNK1-Related HSAN2 (HSAN2A); HSAN IIA; MORVAN DISEASE; NEUROPATHY, CONGENITAL SENSORY; NEUROPATHY, HEREDITARY SENSORY RADICULAR, AUTOSOMAL RECESSIVE; NEUROPATHY, HEREDITARY SENSORY, TYPE IIA. Identifiers: Orphanet 970, MedGen C2752089, MONDO:0024309, OMIM 201300.

Allele frequency attached by ClinVar (database versions not stated): gnomAD 0.00004 and 0.00006; TOPMed 0.00004; gnomAD exomes 0.00006 and 0.00007.
gnomAD v4.1: 110 of 1,536,100 alleles (0.0072%); highest among the groups gnomAD compares: Middle Eastern, 0.017%; no homozygotes.

Submissions (8):

PreventionGenetics, part of Exact Sciences
Classification: Uncertain significance for WNK1-related condition. Last evaluated: 2026-05-27. Review status: criteria provided, single submitter. Criteria: ACMG Guidelines, 2015. Collection method: clinical testing. Allele origin: germline.
Comment: The WNK1 c.2350C>T variant is predicted to result in the amino acid substitution p.Arg784Cys. To our knowledge, this variant has not been reported in the literature in individuals with WNK1-related disorders. This variant is reported in 0.0088% of alleles in individuals of European (non-Finnish) descent in gnomAD. At this time, the clinical significance of this variant is uncertain due to the absence of conclusive functional and genetic evidence.

Labcorp Genetics (formerly Invitae), Labcorp
Classification: Uncertain significance for Neuropathy, hereditary sensory and autonomic, type 2A; Pseudohypoaldosteronism type 2C. Last evaluated: 2025-10-21. Review status: criteria provided, single submitter. Criteria: Invitae Variant Classification Sherloc (09022015). Collection method: clinical testing. Allele origin: germline.
Comment: This sequence change replaces arginine, which is basic and polar, with cysteine, which is neutral and slightly polar, at codon 784 of the WNK1 protein (p.Arg784Cys). This variant is present in population databases (rs758110645, gnomAD 0.009%). This variant has not been reported in the literature in individuals affected with WNK1-related conditions. ClinVar contains an entry for this variant (Variation ID: 934626). Invitae Evidence Modeling of protein sequence and biophysical properties (such as structural, functional, and spatial information, amino acid conservation, physicochemical variation, residue mobility, and thermodynamic stability) indicates that this missense variant is not expected to disrupt WNK1 protein function with a negative predictive value of 95%. In summary, the available evidence is currently insufficient to determine the role of this variant in disease. Therefore, it has been classified as a Variant of Uncertain Significance.

Blueprint Genetics
Classification: Uncertain significance. Last evaluated: 2024-10-22. Review status: criteria provided, single submitter. Criteria: ACMG Guidelines, 2015. Collection method: clinical testing. Allele origin: germline.

CeGaT Center for Human Genetics Tuebingen
Classification: Uncertain significance. Last evaluated: 2024-04-01. Review status: criteria provided, single submitter. Criteria: CeGaT Center For Human Genetics Tuebingen Variant Classification Criteria Version 2. Collection method: clinical testing. Allele origin: germline. Affected: yes. Observed: 2 variant alleles.
Comment: WNK1: PM2, BP4

Department of Pathology and Laboratory Medicine, Sinai Health System
Classification: Uncertain significance for Neuropathy, hereditary sensory and autonomic, type 2A; Pseudohypoaldosteronism type 2C. Last evaluated: 2022-07-04. Review status: criteria provided, single submitter. Criteria: ACMG Guidelines, 2015. Collection method: research. Allele origin: germline.

Fulgent Genetics
Classification: Uncertain significance for Neuropathy, hereditary sensory and autonomic, type 2A; Pseudohypoaldosteronism type 2C. Last evaluated: 2021-12-25. Review status: criteria provided, single submitter. Criteria: ACMG Guidelines, 2015. Collection method: clinical testing. Allele origin: unknown.

Ambry Genetics
Classification: Uncertain significance for Inborn genetic diseases. Last evaluated: 2020-01-22. Review status: criteria provided, single submitter. Criteria: Ambry Variant Classification Scheme 2023. Collection method: clinical testing. Allele origin: germline.
Comment: The p.R784C variant (also known as c.2350C>T), located in coding exon 9 of the WNK1 gene, results from a C to T substitution at nucleotide position 2350. The arginine at codon 784 is replaced by cysteine, an amino acid with highly dissimilar properties. This amino acid position is not well conserved in available vertebrate species. In addition, this alteration is predicted to be tolerated by in silico analysis. Since supporting evidence is limited at this time, the clinical significance of this alteration remains unclear.

Breakthrough Genomics
Classification: Uncertain significance. Review status: criteria provided, single submitter. Criteria: ACMG Guidelines, 2015. Collection method: not provided. Allele origin: germline. Inheritance: Autosomal recessive inheritance. Affected: yes.

NM_213655.5(WNK1):c.2350C>T (p.Arg784Cys)

Gene: WNK1 (WNK lysine deficient protein kinase 1; plus strand). Cytogenetic location: 12p13.33.
Variant type: single nucleotide variant.
Coding change: c.2350C>T on transcript NM_213655.5 (MANE Plus Clinical); coding-DNA position 2350, C replaced by T.
Protein change: p.Arg784Cys; replaces arginine 784 with cysteine.
Molecular consequence: missense variant. On other transcripts: intron variant (3).
Genome position (GRCh38, 1-based): chr12:865,320, C>T. VCF-style: chr12-865320-C-T. GRCh37 (hg19) VCF-style: chr12-974486-C-T.
Other names: c.2140-2546C>T (NM_001184985.2); c.2139+3050C>T (NM_018979.4, NM_014823.3); short protein forms R784C.
Identifiers: ClinVar variation 934626 (VCV000934626.40), dbSNP rs758110645, ClinGen allele CA231495815.